The following is an entry in ClinVar:

NM_015213.4(DENND5A):c.3370C>T (p.His1124Tyr)

Gene: DENND5A (DENN domain containing 5A; minus strand). Cytogenetic location: 11p15.4.
Variant type: single nucleotide variant.
Coding change: c.3370C>T on transcript NM_015213.4 (MANE Select); coding-DNA position 3370, C replaced by T.
Protein change: p.His1124Tyr; replaces histidine 1124 with tyrosine.
Molecular consequence: missense variant.
Genome position (GRCh38, 1-based): chr11:9,143,420, G>A on the plus strand (C>T on the coding strand, the complement: DENND5A is on the minus strand). VCF-style: chr11-9143420-G-A. GRCh37 (hg19) VCF-style: chr11-9164967-G-A.
Other names: c.3370C>T, p.His1124Tyr (NM_001243254.2, NM_001348748.1); c.3298C>T, p.His1100Tyr (NM_001348749.2); c.3082C>T, p.His1028Tyr (NM_001348750.2); short protein forms H1100Y, H1124Y, H1028Y.
Identifiers: ClinVar variation 1940445 (VCV001940445.5), dbSNP rs752036426, ClinGen allele CA5877062.

ClinVar aggregate classification (germline): Uncertain significance (1 of 4 stars; one submission).

Allele frequency attached by ClinVar (database versions not stated): TOPMed below 0.00001; ExAC 0.00001.
gnomAD v4.1: 67 of 1,614,072 alleles (0.0042%); highest among the groups gnomAD compares: Non-Finnish European, 0.0056%; no homozygotes.

Submission:

Labcorp Genetics (formerly Invitae), Labcorp
Classification: Uncertain significance. Last evaluated: 2022-02-09. Review status: criteria provided, single submitter. Criteria: Invitae Variant Classification Sherloc (09022015). Collection method: clinical testing. Allele origin: germline.
Comment: This sequence change replaces histidine, which is basic and polar, with tyrosine, which is neutral and polar, at codon 1124 of the DENND5A protein (p.His1124Tyr). This variant is present in population databases (rs752036426, gnomAD 0.002%). This variant has not been reported in the literature in individuals affected with DENND5A-related conditions. Algorithms developed to predict the effect of missense changes on protein structure and function (SIFT, PolyPhen-2, Align-GVGD) all suggest that this variant is likely to be tolerated. In summary, the available evidence is currently insufficient to determine the role of this variant in disease. Therefore, it has been classified as a Variant of Uncertain Significance.